The following is an entry in ClinVar:

NM_000264.5(PTCH1):c.2954_2965del (p.Ser985_Glu989delinsTer)

Gene: PTCH1 (patched 1; minus strand). Cytogenetic location: 9q22.32.
Variant type: Deletion.
Coding change: c.2954_2965del on transcript NM_000264.5 (MANE Select); coding-DNA positions 2954 to 2965, 12 bases deleted (CAGACTTTGTGG).
Protein change: p.Ser985_Glu989delinsTer.
Molecular consequence: nonsense. On other transcripts: non-coding transcript variant (1).
Genome position (GRCh38, 1-based): chr9:95,458,216-95,458,227, CCACAAAGTCTG deleted on the plus strand (CAGACTTTGTGG on the coding strand, the reverse complement: PTCH1 is on the minus strand). VCF-style (leftmost placement, unchanged base first): chr9-95458215-TCCACAAAGTCTG-T. GRCh37 (hg19) VCF-style: chr9-98220497-TCCACAAAGTCTG-T.
Other names: c.2756_2767del, p.Ser919_Glu923delinsTer (NM_001083602.3); c.2951_2962del, p.Ser984_Glu988delinsTer (NM_001083603.3); c.2501_2512del, p.Ser834_Glu838delinsTer (NM_001083604.3, NM_001083605.3, NM_001083606.3 and 1 more transcripts); c.2798_2809del, p.Ser933_Glu937delinsTer (NM_001354918.2).
Identifiers: ClinVar variation 2021909 (VCV002021909.4), dbSNP rs2538069177, ClinGen allele CA2580080761.
Genomic context (GRCh38, chr9:95,458,215, plus strand): 5'-TAACTGGACAGCCCCAGGCTCGTATAGTTGCTGCAGATGGTCCTTACTTTTTCAATTGCC[TCCACAAAGTCTG>T]AGGTGTCCCGCAAGCCGTTGAGGTAGAAAGGGAACTGGGCATACTCGATGGGCTCTGCTG-3'

ClinVar aggregate classification (germline): Pathogenic (1 of 4 stars; one submission).

Conditions:
Gorlin syndrome. Also called: Nevoid Basal Cell Carcinoma Syndrome; Basal cell nevus syndrome. Identifiers: Orphanet 377, MedGen C0004779, MONDO:0007187.

Submission:

Labcorp Genetics (formerly Invitae), Labcorp
Classification: Pathogenic for Gorlin syndrome. Last evaluated: 2022-08-05. Review status: criteria provided, single submitter. Criteria: Invitae Variant Classification Sherloc (09022015). Collection method: clinical testing. Allele origin: germline.
Comment: For these reasons, this variant has been classified as Pathogenic. This premature translational stop signal has been observed in individual(s) with nevoid basal cell carcinoma syndrome (PMID: 30411536). This variant is not present in population databases (gnomAD no frequency). This sequence change creates a premature translational stop signal (p.Ser985*) in the PTCH1 gene. It is expected to result in an absent or disrupted protein product. Loss-of-function variants in PTCH1 are known to be pathogenic (PMID: 16301862, 16419085).

Literature cited by the submitters: PubMed 30411536; PubMed 16301862; PubMed 16419085.